The following is an entry in ClinVar:

ClinVar aggregate classification (germline): Pathogenic (1 of 4 stars; one submission).

Conditions:
Wilms tumor 1 (WT1). Also called: Wilms tumor, somatic. Identifiers: Orphanet 654, MedGen CN033288, MONDO:0008679, OMIM 194070.

Submissions (2):

St. Jude Molecular Pathology, St. Jude Children's Research Hospital
Classification: Pathogenic for Wilms tumor 1. Last evaluated: 2026-10-01. Review status: criteria provided, single submitter. Criteria: St. Jude Assertion Criteria 2020. Collection method: clinical testing. Allele origin: germline.
Comment: The WT1 c.1264+1G>C intronic change results in a G to C substitution at the +1 p osition of intron 7 of the WT1 gene. This variant is predicted to result in aberrant splicing, resulting in nonsense-mediated decay or an abnormal protein product. This var iant is absent in gnomAD v2.1.1. In summary, this variant meets criteria to be classified as pathogenic.

Dr. Peter K. Rogan Lab, Western University
No classification provided (evidence only). Condition: Acute myeloid leukemia. Review status: no classification provided. Collection method: in vitro. Allele origin: not applicable. Functional consequence: skipped exon, retained intron. Not counted in ClinVar's aggregate classification.

NM_024426.6(WT1):c.1264+1G>C

Gene: WT1 (WT1 transcription factor; minus strand). Cytogenetic location: 11p13.
Variant type: single nucleotide variant.
Coding change: c.1264+1G>C on transcript NM_024426.6 (MANE Select); the canonical splice donor site of the intron after coding-DNA position 1264, G replaced by C.
Molecular consequence: splice donor variant.
Genome position (GRCh38, 1-based): chr11:32,396,256, C>G on the plus strand (G>C on the coding strand, the complement: WT1 is on the minus strand). VCF-style: chr11-32396256-C-G. GRCh37 (hg19) VCF-style: chr11-32417802-C-G.
Other names: NC_000011.9:g.32417802C>G; c.1045+1G>C (NM_001429031.1, NM_001429032.1); c.502+1G>C (NM_001407051.1); c.562+1G>C (NM_001198552.2); c.613+1G>C (NM_001198551.2); c.76+1G>C (NM_001367854.1); c.1090+1G>C (NM_001407050.1); c.1141+1G>C (NM_001407047.1); and 4 more.
Identifiers: ClinVar variation 4370830 (VCV004370830.2).